The following is an entry in ClinVar:

ClinVar aggregate classification (germline): Conflicting classifications of pathogenicity. Review status: criteria provided, conflicting classifications (1 of 4 stars). 5 submissions from 5 submitters: Uncertain significance (3); Likely benign (2). Last evaluated 2025-12-19.

Conditions:
Familial thoracic aortic aneurysm and aortic dissection (TAAD). Also called: Thoracic aortic aneurysms and dissections. Identifiers: Orphanet 91387, MedGen C4707243, MONDO:0019625.
Arterial tortuosity syndrome (ATORS). Identifiers: Orphanet 3342, MedGen C1859726, MONDO:0008818, OMIM 208050.

Allele frequency attached by ClinVar (database versions not stated): gnomAD exomes 0.00007 and 0.00009; ExAC 0.00008; ESP Exome Variant Server 0.00023; gnomAD 0.00023 and 0.00024; TOPMed 0.00028; 1000 Genomes Project 0.00040; 1000 Genomes Project 30x 0.00047.
gnomAD v4.1: 139 of 1,614,246 alleles (0.0086%); highest among the groups gnomAD compares: African/African-American, 0.077%; no homozygotes.

Submissions (5):

Labcorp Genetics (formerly Invitae), Labcorp
Classification: Likely benign for Arterial tortuosity syndrome. Last evaluated: 2025-12-19. Review status: criteria provided, single submitter. Criteria: Invitae Variant Classification Sherloc (09022015). Collection method: clinical testing. Allele origin: germline.

Mayo Clinic Laboratories, Mayo Clinic
Classification: Uncertain significance. Last evaluated: 2025-11-06. Review status: criteria provided, single submitter. Criteria: ACMG Guidelines, 2015. Collection method: clinical testing. Allele origin: germline. Observed: 1 variant allele.
Comment: BP4

GeneDx
Classification: Uncertain significance. Last evaluated: 2025-08-12. Review status: criteria provided, single submitter. Criteria: GeneDx Variant Classification Process June 2021. Collection method: clinical testing. Allele origin: germline. Affected: yes.
Comment: In silico analysis suggests that this missense variant does not alter protein structure/function; Has not been previously published as pathogenic or benign to our knowledge

Women's Health and Genetics/Laboratory Corporation of America, LabCorp
Classification: Uncertain significance. Last evaluated: 2025-02-08. Review status: criteria provided, single submitter. Criteria: LabCorp Variant Classification Summary - May 2015. Collection method: clinical testing. Allele origin: germline.

Ambry Genetics
Classification: Likely benign for Familial thoracic aortic aneurysm and aortic dissection. Last evaluated: 2018-03-02. Review status: criteria provided, single submitter. Criteria: Ambry Variant Classification Scheme 2023. Collection method: clinical testing. Allele origin: germline.

NM_030777.4(SLC2A10):c.1079A>G (p.Asn360Ser)

Gene: SLC2A10 (solute carrier family 2 member 10; plus strand). Cytogenetic location: 20q13.12.
Variant type: single nucleotide variant.
Coding change: c.1079A>G on transcript NM_030777.4 (MANE Select); coding-DNA position 1079, A replaced by G.
Protein change: p.Asn360Ser; replaces asparagine 360 with serine.
Molecular consequence: missense variant.
Genome position (GRCh38, 1-based): chr20:46,726,115, A>G. VCF-style: chr20-46726115-A-G. GRCh37 (hg19) VCF-style: chr20-45354754-A-G.
Other names: p.Asn360Ser; short protein forms N360S.
Identifiers: ClinVar variation 841176 (VCV000841176.20), dbSNP rs139117495, ClinGen allele CA9892101.